The following is an entry in ClinVar:

ClinVar aggregate classification (germline): Uncertain significance (1 of 4 stars; one submission).

Submission:

GeneDx
Classification: Uncertain significance. Last evaluated: 2024-05-02. Review status: criteria provided, single submitter. Criteria: GeneDx Variant Classification Process June 2021. Collection method: clinical testing. Allele origin: germline. Affected: yes.
Comment: Not observed at significant frequency in large population cohorts (gnomAD); In silico analysis supports that this missense variant has a deleterious effect on protein structure/function; Has not been previously published as pathogenic or benign to our knowledge

NM_001031679.3(MSRB3):c.369G>T (p.Arg123Ser)

Gene: MSRB3 (methionine sulfoxide reductase B3; plus strand). Cytogenetic location: 12q14.3.
Variant type: single nucleotide variant.
Coding change: c.369G>T on transcript NM_001031679.3 (MANE Select); coding-DNA position 369, G replaced by T.
Protein change: p.Arg123Ser; replaces arginine 123 with serine.
Molecular consequence: missense variant.
Genome position (GRCh38, 1-based): chr12:65,453,804, G>T. VCF-style: chr12-65453804-G-T. GRCh37 (hg19) VCF-style: chr12-65847584-G-T.
Other names: c.369G>T, p.Arg123Ser (NM_001193460.2, NM_001193461.2); c.390G>T, p.Arg130Ser (NM_198080.4); short protein forms R123S, R130S.
Identifiers: ClinVar variation 3373289 (VCV003373289.1).